The following is an entry in ClinVar:

ClinVar aggregate classification (germline): Uncertain significance. Review status: criteria provided, multiple submitters, no conflicts (2 of 4 stars). 4 submissions from 4 submitters: Uncertain significance (4). Last evaluated 2025-10-21.

Conditions:
Cardiomyopathy (CMYO). Also called: Cardiomyopathies. Identifiers: Orphanet 167848, MedGen C0878544, MONDO:0004994, HP:0001638. Inheritance: Various modes of inheritance.
Catecholaminergic polymorphic ventricular tachycardia 1. Also called: RYR2-Related Catecholaminergic Polymorphic Ventricular Tachycardia; VENTRICULAR TACHYCARDIA, STRESS-INDUCED POLYMORPHIC 1; VENTRICULAR TACHYCARDIA, CATECHOLAMINERGIC POLYMORPHIC, 1, WITH OR WITHOUT ATRIAL DYSFUNCTION AND/OR DILATED CARDIOMYOPATHY. Identifiers: Orphanet 3286, MedGen C1631597, MONDO:0011484, OMIM 604772.
Cardiovascular phenotype. Identifiers: MedGen CN230736.

Allele frequency attached by ClinVar (database versions not stated): gnomAD exomes below 0.00001 and 0.00001; gnomAD 0.00001; ExAC 0.00002; 1000 Genomes Project 0.00020; 1000 Genomes Project 30x 0.00031.
gnomAD v4.1: 5 of 1,613,880 alleles (0.00031%); highest among the groups gnomAD compares: East Asian, 0.0089%; no homozygotes.

Submissions (4):

Color Diagnostics, LLC DBA Color Health
Classification: Uncertain significance for Cardiomyopathy. Last evaluated: 2025-10-21. Review status: criteria provided, single submitter. Criteria: ACMG Guidelines, 2015. Collection method: clinical testing. Allele origin: germline.
Comment: This missense variant replaces isoleucine with methionine at codon 798 of the RYR2 protein. Computational prediction suggests that this variant may not impact protein structure and function. To our knowledge, functional studies have not been reported for this variant. This variant has not been reported in individuals affected with RYR2-related disorders in the literature. This variant has been identified in 5/1613880 chromosomes in the general population by the Genome Aggregation Database (gnomAD). The available evidence is insufficient to determine the role of this variant in disease conclusively. Therefore, this variant is classified as a Variant of Uncertain Significance.

Labcorp Genetics (formerly Invitae), Labcorp
Classification: Uncertain significance for Catecholaminergic polymorphic ventricular tachycardia 1. Last evaluated: 2025-03-19. Review status: criteria provided, single submitter. Criteria: Invitae Variant Classification Sherloc (09022015). Collection method: clinical testing. Allele origin: germline.
Comment: This sequence change replaces isoleucine, which is neutral and non-polar, with methionine, which is neutral and non-polar, at codon 798 of the RYR2 protein (p.Ile798Met). This variant is present in population databases (rs192876953, gnomAD 0.02%). This variant has not been reported in the literature in individuals affected with RYR2-related conditions. ClinVar contains an entry for this variant (Variation ID: 1034628). An algorithm developed to predict the effect of missense changes on protein structure and function (PolyPhen-2) suggests that this variant is likely to be disruptive. In summary, the available evidence is currently insufficient to determine the role of this variant in disease. Therefore, it has been classified as a Variant of Uncertain Significance.

Ambry Genetics
Classification: Uncertain significance for Cardiovascular phenotype. Last evaluated: 2021-12-19. Review status: criteria provided, single submitter. Criteria: Ambry Variant Classification Scheme 2023. Collection method: clinical testing. Allele origin: germline.

GeneDx
Classification: Uncertain significance. Last evaluated: 2019-03-29. Review status: criteria provided, single submitter. Criteria: GeneDx Variant Classification Process June 2021. Collection method: clinical testing. Allele origin: germline. Affected: yes.
Comment: Has not been previously published as pathogenic or benign to our knowledge; Not observed at a significant frequency in large population cohorts (Lek et al., 2016); In silico analysis, which includes protein predictors and evolutionary conservation, supports that this variant does not alter protein structure/function; Variant is not located in one of the three hot-spot regions of the RYR2 gene, where the majority of pathogenic missense variants occur (Medeiros-Domingo et al., 2009)

NM_001035.3(RYR2):c.2394A>G (p.Ile798Met)

Gene: RYR2 (ryanodine receptor 2; plus strand). Cytogenetic location: 1q43.
Variant type: single nucleotide variant.
Coding change: c.2394A>G on transcript NM_001035.3 (MANE Select); coding-DNA position 2394, A replaced by G.
Protein change: p.Ile798Met; replaces isoleucine 798 with methionine.
Molecular consequence: missense variant.
Genome position (GRCh38, 1-based): chr1:237,500,901, A>G. VCF-style: chr1-237500901-A-G. GRCh37 (hg19) VCF-style: chr1-237664201-A-G.
Other names: short protein forms I798M.
Identifiers: ClinVar variation 1034628 (VCV001034628.15), dbSNP rs192876953, ClinGen allele CA086027.